The following is an entry in ClinVar:

ClinVar aggregate classification (germline): Uncertain significance (1 of 4 stars; one submission).

Conditions:
Focal segmental glomerulosclerosis 5 (FSGS5). Identifiers: Orphanet 656, MedGen C2750475, MONDO:0013191, OMIM 613237.
Charcot-Marie-Tooth disease dominant intermediate E. Also called: CHARCOT-MARIE-TOOTH NEUROPATHY WITH FOCAL SEGMENTAL GLOMERULONEPHRITIS. Identifiers: Orphanet 93114, MedGen C4302667, MONDO:0013758, OMIM 614455.

Allele frequency attached by ClinVar (database versions not stated): gnomAD exomes below 0.00001; ExAC 0.00001; ESP Exome Variant Server 0.00008.

Submission:

Labcorp Genetics (formerly Invitae), Labcorp
Classification: Uncertain significance for Charcot-Marie-Tooth disease, dominant intermediate E; Focal segmental glomerulosclerosis 5. Last evaluated: 2018-12-21. Review status: criteria provided, single submitter. Criteria: Invitae Variant Classification Sherloc (09022015). Collection method: clinical testing. Allele origin: germline.
Comment: This sequence change affects codon 858 of the INF2 mRNA. It is a 'silent' change, meaning that it does not change the encoded amino acid sequence of the INF2 protein. This variant is present in population databases (rs371768502, ExAC 0.002%). This variant has not been reported in the literature in individuals with INF2-related disease. Algorithms developed to predict the effect of sequence changes on RNA splicing suggest that this variant may create or strengthen a splice site, but this prediction has not been confirmed by published transcriptional studies. In summary, the available evidence is currently insufficient to determine the role of this variant in disease. Therefore, it has been classified as a Variant of Uncertain Significance.

NM_022489.4(INF2):c.2574G>A (p.Val858=)

Gene: INF2 (inverted formin 2; plus strand). Cytogenetic location: 14q32.33.
Variant type: single nucleotide variant.
Coding change: c.2574G>A on transcript NM_022489.4 (MANE Select); coding-DNA position 2574, G replaced by A.
Protein change: p.Val858=; no amino-acid change (valine 858 retained).
Molecular consequence: synonymous variant.
Genome position (GRCh38, 1-based): chr14:104,712,517, G>A. VCF-style: chr14-104712517-G-A. GRCh37 (hg19) VCF-style: chr14-105178854-G-A.
Other names: c.2574G>A, p.Val858= (NM_001031714.4).
Identifiers: ClinVar variation 640173 (VCV000640173.1), dbSNP rs371768502, ClinGen allele CA7372984.